The following is an entry in ClinVar:

NM_014915.3(ANKRD26):c.3810G>T (p.Leu1270Phe)

Gene: ANKRD26 (ankyrin repeat domain containing 26; minus strand). Cytogenetic location: 10p12.1.
Variant type: single nucleotide variant.
Coding change: c.3810G>T on transcript NM_014915.3 (MANE Select); coding-DNA position 3810, G replaced by T.
Protein change: p.Leu1270Phe; replaces leucine 1270 with phenylalanine.
Molecular consequence: missense variant.
Genome position (GRCh38, 1-based): chr10:27,029,354, C>A on the plus strand (G>T on the coding strand, the complement: ANKRD26 is on the minus strand). VCF-style: chr10-27029354-C-A. GRCh37 (hg19) VCF-style: chr10-27318283-C-A.
Other names: c.3807G>T, p.Leu1269Phe (NM_001256053.2); short protein forms L1269F, L1270F.
Identifiers: ClinVar variation 3914931 (VCV003914931.1).

ClinVar aggregate classification (germline): Uncertain significance (1 of 4 stars; one submission).

Conditions:
Inborn genetic diseases. Identifiers: MedGen C0950123, MeSH D030342.

gnomAD v4.1: 3 of 1,610,780 alleles (0.00019%); highest among the groups gnomAD compares: South Asian, 0.0033%; no homozygotes.

Submission:

Ambry Genetics
Classification: Uncertain significance for Inborn genetic diseases. Last evaluated: 2025-05-31. Review status: criteria provided, single submitter. Criteria: Ambry Variant Classification Scheme 2023. Collection method: clinical testing. Allele origin: germline.
Comment: The p.L1270F variant (also known as c.3810G>T), located in coding exon 26 of the ANKRD26 gene, results from a G to T substitution at nucleotide position 3810. The leucine at codon 1270 is replaced by phenylalanine, an amino acid with highly similar properties. This amino acid position is conserved. In addition, this alteration is predicted to be tolerated by in silico analysis. Based on the available evidence, the clinical significance of this variant remains unclear.